The following is an entry in ClinVar:

NM_001330260.2(SCN8A):c.1607T>C (p.Ile536Thr)

Gene: SCN8A (sodium voltage-gated channel alpha subunit 8; plus strand). Cytogenetic location: 12q13.13.
Variant type: single nucleotide variant.
Coding change: c.1607T>C on transcript NM_001330260.2 (MANE Select); coding-DNA position 1607, T replaced by C.
Protein change: p.Ile536Thr; replaces isoleucine 536 with threonine.
Molecular consequence: missense variant.
Genome position (GRCh38, 1-based): chr12:51,706,687, T>C. VCF-style: chr12-51706687-T-C. GRCh37 (hg19) VCF-style: chr12-52100471-T-C.
Other names: c.1607T>C, p.Ile536Thr (NM_014191.4, NM_001177984.3, NM_001369788.1); short protein forms I536T.
Identifiers: ClinVar variation 3680313 (VCV003680313.2).
Genomic context (GRCh38, chr12:51,706,687, plus strand): 5'-TTAAGTCAGAGTCAGAAGATGGCATGAGAAGGAAGGCCTTTCGGCTGCCAGACAACAGAA[T>C]AGGGAGGAAATTTTCCATCATGAATCAGGTAAACTCTTCTTTTTTCTATACCTTTTTCAA-3'
Protein context (NP_001317189.1, residues 526-546): RKAFRLPDNR[Ile536Thr]GRKFSIMNQS

ClinVar aggregate classification (germline): Uncertain significance (1 of 4 stars; one submission).

Conditions:
Early-infantile DEE. Also called: Ohtahara syndrome; Early infantile epileptic encephalopathy with suppression bursts; Early infantile epileptic encephalopathy. Identifiers: Orphanet 1934, MedGen C0393706, MONDO:0800491.

Submission:

Labcorp Genetics (formerly Invitae), Labcorp
Classification: Uncertain significance for Early-infantile DEE. Last evaluated: 2025-05-18. Review status: criteria provided, single submitter. Criteria: Invitae Variant Classification Sherloc (09022015). Collection method: clinical testing. Allele origin: germline.
Comment: This sequence change replaces isoleucine, which is neutral and non-polar, with threonine, which is neutral and polar, at codon 536 of the SCN8A protein (p.Ile536Thr). This variant is not present in population databases (gnomAD no frequency). This variant has not been reported in the literature in individuals affected with SCN8A-related conditions. ClinVar contains an entry for this variant (Variation ID: 3680313). Invitae Evidence Modeling of protein sequence and biophysical properties (such as structural, functional, and spatial information, amino acid conservation, physicochemical variation, residue mobility, and thermodynamic stability) indicates that this missense variant is not expected to disrupt SCN8A protein function with a negative predictive value of 95%. In summary, the available evidence is currently insufficient to determine the role of this variant in disease. Therefore, it has been classified as a Variant of Uncertain Significance.